The following is an entry in ClinVar:

ClinVar aggregate classification (germline): Uncertain significance (1 of 4 stars; one submission).

Conditions:
Oculodentodigital dysplasia, autosomal recessive. Also called: OCULODENTOOSSEOUS DYSPLASIA, AUTOSOMAL RECESSIVE; ODDD, AUTOSOMAL RECESSIVE; ODOD, AUTOSOMAL RECESSIVE. Identifiers: Orphanet 2710, MedGen C2749477, MONDO:0009768, OMIM 257850.

gnomAD v4.1: 3 of 1,614,076 alleles (0.00019%); highest among the groups gnomAD compares: Admixed American, 0.0017%; no homozygotes.

Submission:

Labcorp Genetics (formerly Invitae), Labcorp
Classification: Uncertain significance for Oculodentodigital dysplasia, autosomal recessive. Last evaluated: 2024-04-08. Review status: criteria provided, single submitter. Criteria: Invitae Variant Classification Sherloc (09022015). Collection method: clinical testing. Allele origin: germline.
Comment: This sequence change replaces isoleucine, which is neutral and non-polar, with methionine, which is neutral and non-polar, at codon 176 of the GJA1 protein (p.Ile176Met). This variant is present in population databases (rs749848582, gnomAD 0.003%). This variant has not been reported in the literature in individuals affected with GJA1-related conditions. Advanced modeling of protein sequence and biophysical properties (such as structural, functional, and spatial information, amino acid conservation, physicochemical variation, residue mobility, and thermodynamic stability) performed at Invitae indicates that this missense variant is not expected to disrupt GJA1 protein function with a negative predictive value of 80%. In summary, the available evidence is currently insufficient to determine the role of this variant in disease. Therefore, it has been classified as a Variant of Uncertain Significance.

NM_000165.5(GJA1):c.528C>G (p.Ile176Met)

Gene: GJA1 (gap junction protein alpha 1; plus strand). Cytogenetic location: 6q22.31.
Variant type: single nucleotide variant.
Coding change: c.528C>G on transcript NM_000165.5 (MANE Select); coding-DNA position 528, C replaced by G.
Protein change: p.Ile176Met; replaces isoleucine 176 with methionine.
Molecular consequence: missense variant.
Genome position (GRCh38, 1-based): chr6:121,447,375, C>G. VCF-style: chr6-121447375-C-G. GRCh37 (hg19) VCF-style: chr6-121768521-C-G.
Other names: short protein forms I176M.
Identifiers: ClinVar variation 2909257 (VCV002909257.3), dbSNP rs749848582, ClinGen allele CA3981702.